The following is an entry in ClinVar:

ClinVar aggregate classification (germline): Likely benign (1 of 4 stars; one submission).

Submission:

CeGaT Center for Human Genetics Tuebingen
Classification: Likely benign. Last evaluated: 2026-02-01. Review status: criteria provided, single submitter. Criteria: CeGaT Center For Human Genetics Tuebingen Variant Classification Criteria Version 2. Collection method: clinical testing. Allele origin: germline. Affected: yes. Observed: 1 variant allele.
Comment: DLK2: BP4, BP7

NM_023932.4(DLK2):c.525G>A (p.Val175=)

Genes: ABCC10 (ATP binding cassette subfamily C member 10; plus strand), DLK2 (delta like non-canonical Notch ligand 2; minus strand). Cytogenetic location: 6p21.1.
Variant type: single nucleotide variant.
Coding change: c.525G>A on transcript NM_023932.4 (MANE Select); coding-DNA position 525, G replaced by A.
Protein change: p.Val175=; no amino-acid change (valine 175 retained).
Molecular consequence: synonymous variant.
Genome position (GRCh38, 1-based): chr6:43,451,166, C>T on the plus strand (G>A on the coding strand, the complement: DLK2 is on the minus strand). VCF-style: chr6-43451166-C-T. GRCh37 (hg19) VCF-style: chr6-43418904-C-T.
Other names: c.414G>A, p.Val138= (NM_001286655.1); c.507G>A, p.Val169= (NM_001286656.2); c.525G>A, p.Val175= (NM_206539.2).
Identifiers: ClinVar variation 4823259 (VCV004823259.4).